The following is an entry in ClinVar:

NM_005228.5(EGFR):c.3307G>A (p.Gly1103Ser)

Gene: EGFR (epidermal growth factor receptor; plus strand). Cytogenetic location: 7p11.2.
Variant type: single nucleotide variant.
Coding change: c.3307G>A on transcript NM_005228.5 (MANE Select); coding-DNA position 3307, G replaced by A.
Protein change: p.Gly1103Ser; replaces glycine 1103 with serine.
Molecular consequence: missense variant.
Genome position (GRCh38, 1-based): chr7:55,205,291, G>A. VCF-style: chr7-55205291-G-A. GRCh37 (hg19) VCF-style: chr7-55272984-G-A.
Other names: c.3172G>A, p.Gly1058Ser (NM_001346899.2); c.3148G>A, p.Gly1050Ser (NM_001346900.2); c.2506G>A, p.Gly836Ser (NM_001346941.2); short protein forms G1050S, G1058S, G1103S, G836S.
Identifiers: ClinVar variation 1978483 (VCV001978483.5), dbSNP rs139388758, ClinGen allele CA4266376.

ClinVar aggregate classification (germline): Uncertain significance. Review status: criteria provided, multiple submitters, no conflicts (2 of 4 stars). 2 submissions from 2 submitters: Uncertain significance (2). Last evaluated 2025-06-21.

Conditions:
EGFR-related lung cancer (EGFR). Identifiers: MedGen CN130014.
Hereditary cancer-predisposing syndrome. Also called: Hereditary Cancer Syndrome; Neoplastic Syndromes, Hereditary; Tumor predisposition; Hereditary neoplastic syndrome. Identifiers: Orphanet 140162, MedGen C0027672, MeSH D009386, MONDO:0015356.

Allele frequency attached by ClinVar (database versions not stated): TOPMed below 0.00001; ExAC 0.00001; gnomAD 0.00001; ESP Exome Variant Server 0.00008.
gnomAD v4.1: 2 of 1,612,852 alleles (0.00012%); highest among the groups gnomAD compares: African/African-American, 0.0013%; no homozygotes.

Submissions (2):

Ambry Genetics
Classification: Uncertain significance for Hereditary cancer-predisposing syndrome. Last evaluated: 2025-06-21. Review status: criteria provided, single submitter. Criteria: Ambry Variant Classification Scheme 2023. Collection method: clinical testing. Allele origin: germline.
Comment: The p.G1103S variant (also known as c.3307G>A), located in coding exon 28 of the EGFR gene, results from a G to A substitution at nucleotide position 3307. The glycine at codon 1103 is replaced by serine, an amino acid with similar properties. This amino acid position is conserved. In addition, this alteration is predicted to be tolerated by in silico analysis. Based on the available evidence, the clinical significance of this variant remains unclear.

Labcorp Genetics (formerly Invitae), Labcorp
Classification: Uncertain significance for EGFR-related lung cancer. Last evaluated: 2025-06-20. Review status: criteria provided, single submitter. Criteria: Invitae Variant Classification Sherloc (09022015). Collection method: clinical testing. Allele origin: germline.
Comment: This sequence change replaces glycine, which is neutral and non-polar, with serine, which is neutral and polar, at codon 1103 of the EGFR protein (p.Gly1103Ser). This variant is present in population databases (rs139388758, gnomAD 0.007%). This variant has not been reported in the literature in individuals affected with EGFR-related conditions. ClinVar contains an entry for this variant (Variation ID: 1978483). An algorithm developed to predict the effect of missense changes on protein structure and function (PolyPhen-2) suggests that this variant is likely to be tolerated. In summary, the available evidence is currently insufficient to determine the role of this variant in disease. Therefore, it has been classified as a Variant of Uncertain Significance.